The following is an entry in ClinVar:

ClinVar aggregate classification (germline): Uncertain significance. Review status: criteria provided, multiple submitters, no conflicts (2 of 4 stars). 2 submissions from 2 submitters: Uncertain significance (2). Last evaluated 2024-05-09.

Allele frequency attached by ClinVar (database versions not stated): ExAC 0.00002; gnomAD 0.00006; TOPMed 0.00009.
gnomAD v4.1: 16 of 1,614,096 alleles (0.00099%); highest among the groups gnomAD compares: African/African-American, 0.02%; no homozygotes.

Submissions (2):

Labcorp Genetics (formerly Invitae), Labcorp
Classification: Uncertain significance. Last evaluated: 2024-05-09. Review status: criteria provided, single submitter. Criteria: Invitae Variant Classification Sherloc (09022015). Collection method: clinical testing. Allele origin: germline.
Comment: This sequence change replaces glutamine, which is neutral and polar, with histidine, which is basic and polar, at codon 1161 of the ADGRA3 protein (p.Gln1161His). This variant is present in population databases (rs776705989, gnomAD 0.02%). This variant has not been reported in the literature in individuals affected with ADGRA3-related conditions. ClinVar contains an entry for this variant (Variation ID: 959828). An algorithm developed to predict the effect of missense changes on protein structure and function (PolyPhen-2) suggests that this variant is likely to be disruptive. In summary, the available evidence is currently insufficient to determine the role of this variant in disease. Therefore, it has been classified as a Variant of Uncertain Significance.

Ambry Genetics
Classification: Uncertain significance. Last evaluated: 2021-09-22. Review status: criteria provided, single submitter. Criteria: Ambry Variant Classification Scheme 2023. Collection method: clinical testing. Allele origin: germline.

NM_145290.4(ADGRA3):c.3483G>T (p.Gln1161His)

Gene: ADGRA3 (adhesion G protein-coupled receptor A3; minus strand). Cytogenetic location: 4p15.2.
Variant type: single nucleotide variant.
Coding change: c.3483G>T on transcript NM_145290.4 (MANE Select); coding-DNA position 3483, G replaced by T.
Protein change: p.Gln1161His; replaces glutamine 1161 with histidine.
Molecular consequence: missense variant.
Genome position (GRCh38, 1-based): chr4:22,388,188, C>A on the plus strand (G>T on the coding strand, the complement: ADGRA3 is on the minus strand). VCF-style: chr4-22388188-C-A. GRCh37 (hg19) VCF-style: chr4-22389811-C-A.
Other names: c.3483G>T (NM_145290.2); short protein forms Q1161H.
Identifiers: ClinVar variation 959828 (VCV000959828.9), dbSNP rs776705989, ClinGen allele CA2873358.